The following is an entry in ClinVar:

NM_177438.3(DICER1):c.4911G>A (p.Ser1637=)

Gene: DICER1 (dicer 1, ribonuclease III; minus strand). Cytogenetic location: 14q32.13.
Variant type: single nucleotide variant.
Coding change: c.4911G>A on transcript NM_177438.3 (MANE Select); coding-DNA position 4911, G replaced by A.
Protein change: p.Ser1637=; no amino-acid change (serine 1637 retained).
Molecular consequence: synonymous variant.
Genome position (GRCh38, 1-based): chr14:95,096,009, C>T on the plus strand (G>A on the coding strand, the complement: DICER1 is on the minus strand). VCF-style: chr14-95096009-C-T. GRCh37 (hg19) VCF-style: chr14-95562346-C-T.
Other names: c.4911G>A, p.Ser1637= (NM_001195573.1, NM_001271282.3, NM_001291628.2 and 1 more transcripts).
Identifiers: ClinVar variation 701593 (VCV000701593.17), dbSNP rs1447821588, ClinGen allele CA487843987.

ClinVar aggregate classification (germline): Conflicting classifications of pathogenicity. Review status: criteria provided, conflicting classifications (1 of 4 stars). 4 submissions from 4 submitters: Uncertain significance (1); Benign (1); Likely benign (2). Last evaluated 2026-04-20.

Conditions:
Hereditary cancer-predisposing syndrome. Also called: Hereditary Cancer Syndrome; Hereditary neoplastic syndrome; Neoplastic Syndromes, Hereditary; Tumor predisposition. Identifiers: Orphanet 140162, MedGen C0027672, MeSH D009386, MONDO:0015356.
DICER1-related tumor predisposition. Also called: DICER1-related pleuropulmonary blastoma cancer predisposition syndrome; DICER1 syndrome. Identifiers: Orphanet 284343, MedGen C3839822, MONDO:0100216.

Allele frequency attached by ClinVar (database versions not stated): TOPMed below 0.00001; gnomAD 0.00001; gnomAD exomes 0.00001.
gnomAD v4.1: 6 of 1,614,040 alleles (0.00037%); highest among the groups gnomAD compares: Non-Finnish European, 0.00051%; no homozygotes.

Submissions (4):

Myriad Genetics, Inc.
Classification: Benign for DICER1-related tumor predisposition. Last evaluated: 2026-04-20. Review status: criteria provided, single submitter. Criteria: Myriad Autosomal Dominant, Autosomal Recessive and X-Linked Classification Criteria (2023). Collection method: clinical testing. Allele origin: unknown.
Comment: This variant is considered benign. This variant is a silent/synonymous amino acid change and it is not expected to impact splicing.

Labcorp Genetics (formerly Invitae), Labcorp
Classification: Likely benign for DICER1-related tumor predisposition. Last evaluated: 2025-11-10. Review status: criteria provided, single submitter. Criteria: Invitae Variant Classification Sherloc (09022015). Collection method: clinical testing. Allele origin: germline.

Sema4
Classification: Uncertain significance for Hereditary cancer-predisposing syndrome. Last evaluated: 2022-02-07. Review status: criteria provided, single submitter. Criteria: Sema4 Curation Guidelines. Collection method: curation. Allele origin: germline.
Comment: The DICER1 c.4911G>A (p.S1637=) variant has not been reported in the literature to our knowledge. It was not observed in the large and broad cohorts of the Genome Aggregation Database (PMID: 32461654). This variant has been reported in ClinVar (Variation ID 701593). The nucleotide is moderately conserved and in silico tools that predict the effect of sequence changes on splicing suggest that this variant may not impact splicing, though these predictions have not been confirmed by functional studies. The evidence is insufficient to meet ACMG/AMP criteria for classifying the variant as benign or pathogenic. Thus, the clinical significance of this variant is currently uncertain.

Ambry Genetics
Classification: Likely benign for Hereditary cancer-predisposing syndrome. Last evaluated: 2018-09-21. Review status: criteria provided, single submitter. Criteria: Ambry Variant Classification Scheme 2023. Collection method: clinical testing. Allele origin: germline.